The following is an entry in ClinVar:

ClinVar aggregate classification (germline): Uncertain significance. Review status: criteria provided, single submitter (1 of 4 stars). 2 submissions from 2 submitters: Uncertain significance (1). 1 of the submissions does not count toward it. Last evaluated 2022-07-17.

Conditions:
Deficiency of alpha-mannosidase (MANSA). Also called: Mannosidosis, alpha-, types I and II; LYSOSOMAL ALPHA-D-MANNOSIDASE DEFICIENCY; Alpha-Mannosidosis. Identifiers: Orphanet 61, MedGen C0024748, MONDO:0009561, OMIM 248500.

Allele frequency attached by ClinVar (database versions not stated): ExAC 0.00008; TOPMed 0.00008; gnomAD exomes 0.00010; gnomAD 0.00013 and 0.00014; 1000 Genomes Project 30x 0.00016; 1000 Genomes Project 0.00020.

Submissions (2):

Labcorp Genetics (formerly Invitae), Labcorp
Classification: Uncertain significance for Deficiency of alpha-mannosidase. Last evaluated: 2022-07-17. Review status: criteria provided, single submitter. Criteria: Invitae Variant Classification Sherloc (09022015). Collection method: clinical testing. Allele origin: germline.
Comment: This sequence change replaces aspartic acid, which is acidic and polar, with glycine, which is neutral and non-polar, at codon 654 of the MAN2B1 protein (p.Asp654Gly). This variant is present in population databases (rs191035238, gnomAD 0.02%). This variant has not been reported in the literature in individuals affected with MAN2B1-related conditions. ClinVar contains an entry for this variant (Variation ID: 969587). Algorithms developed to predict the effect of missense changes on protein structure and function (SIFT, PolyPhen-2, Align-GVGD) all suggest that this variant is likely to be tolerated. In summary, the available evidence is currently insufficient to determine the role of this variant in disease. Therefore, it has been classified as a Variant of Uncertain Significance.

Natera, Inc.
Classification: Uncertain significance for Alpha-mannosidosis. Last evaluated: 2020-01-17. Review status: no assertion criteria provided. Collection method: clinical testing. Allele origin: germline. Not counted in ClinVar's aggregate classification.

NM_000528.4(MAN2B1):c.1961A>G (p.Asp654Gly)

Gene: MAN2B1 (mannosidase alpha class 2B member 1; minus strand). Cytogenetic location: 19p13.13.
Variant type: single nucleotide variant.
Coding change: c.1961A>G on transcript NM_000528.4 (MANE Select); coding-DNA position 1961, A replaced by G.
Protein change: p.Asp654Gly; replaces aspartic acid 654 with glycine.
Molecular consequence: missense variant.
Genome position (GRCh38, 1-based): chr19:12,652,238, T>C on the plus strand (A>G on the coding strand, the complement: MAN2B1 is on the minus strand). VCF-style: chr19-12652238-T-C. GRCh37 (hg19) VCF-style: chr19-12763052-T-C.
Other names: c.1958A>G, p.Asp653Gly (NM_001173498.2); short protein forms D653G, D654G.
Identifiers: ClinVar variation 969587 (VCV000969587.7), dbSNP rs191035238, ClinGen allele CA9226250.
Genomic context (GRCh38, chr19:12,652,238, plus strand): 5'-CGGCTCACAGGCAGCGGTTTCTGTTGGTTGGGTCTGAAGATGTAGGCACCTGAGGCCTGG[T>C]CACTTTCGTTGTCACCTATACTGGCGTTGTACCTGGAGTTGGGGCAGGTGAGAGTCAGGT-3'
Protein context (NP_000519.2, residues 644-664): YNASIGDNES[Asp654Gly]QASGAYIFRP